The following is an entry in ClinVar:

NM_006648.4(WNK2):c.4831G>T (p.Ala1611Ser)

Gene: WNK2 (WNK lysine deficient protein kinase 2; plus strand). Cytogenetic location: 9q22.31.
Variant type: single nucleotide variant.
Coding change: c.4831G>T on transcript NM_006648.4 (MANE Select); coding-DNA position 4831, G replaced by T.
Protein change: p.Ala1611Ser; replaces alanine 1611 with serine.
Molecular consequence: missense variant.
Genome position (GRCh38, 1-based): chr9:93,289,585, G>T. VCF-style: chr9-93289585-G-T. GRCh37 (hg19) VCF-style: chr9-96051867-G-T.
Other names: c.4942G>T, p.Ala1648Ser (NM_001282394.3); short protein forms A1648S, A1611S.
Identifiers: ClinVar variation 3981890 (VCV003981890.1).

ClinVar aggregate classification (germline): Uncertain significance (1 of 4 stars; one submission).

gnomAD v4.1: 12 of 1,512,412 alleles (0.00079%); highest among the groups gnomAD compares: South Asian, 0.014%; no homozygotes.

Submission:

Ambry Genetics
Classification: Uncertain significance. Last evaluated: 2025-04-16. Review status: criteria provided, single submitter. Criteria: Ambry Variant Classification Scheme 2023. Collection method: clinical testing. Allele origin: germline.
Comment: The p.A1611S variant (also known as c.4831G>T), located in coding exon 19 of the WNK2 gene, results from a G to T substitution at nucleotide position 4831. The alanine at codon 1611 is replaced by serine, an amino acid with similar properties. This amino acid position is conserved. In addition, this alteration is predicted to be tolerated by in silico analysis. Based on the available evidence, the clinical significance of this variant remains unclear.